The following is an entry in ClinVar:

ClinVar aggregate classification (germline): Uncertain significance (1 of 4 stars; one submission).

Conditions:
Hereditary cancer-predisposing syndrome. Also called: Neoplastic Syndromes, Hereditary; Tumor predisposition; Hereditary neoplastic syndrome; Hereditary Cancer Syndrome. Identifiers: Orphanet 140162, MedGen C0027672, MeSH D009386, MONDO:0015356.

Submission:

Ambry Genetics
Classification: Uncertain significance for Hereditary cancer-predisposing syndrome. Last evaluated: 2024-02-27. Review status: criteria provided, single submitter. Criteria: Ambry Variant Classification Scheme 2023. Collection method: clinical testing. Allele origin: germline.
Comment: The p.V291F variant (also known as c.871G>T), located in coding exon 9 of the RB1 gene, results from a G to T substitution at nucleotide position 871. The valine at codon 291 is replaced by phenylalanine, an amino acid with highly similar properties. This amino acid position is conserved. In addition, this alteration is predicted to be deleterious by in silico analysis. Based on the available evidence, the clinical significance of this alteration remains unclear.

NM_000321.3(RB1):c.871G>T (p.Val291Phe)

Gene: RB1 (RB transcriptional corepressor 1; plus strand). Cytogenetic location: 13q14.2.
Variant type: single nucleotide variant.
Coding change: c.871G>T on transcript NM_000321.3 (MANE Select); coding-DNA position 871, G replaced by T.
Protein change: p.Val291Phe; replaces valine 291 with phenylalanine.
Molecular consequence: missense variant.
Genome position (GRCh38, 1-based): chr13:48,364,903, G>T. VCF-style: chr13-48364903-G-T. GRCh37 (hg19) VCF-style: chr13-48939039-G-T.
Other names: c.871G>T, p.Val291Phe (NM_001407165.1, NM_001407166.1); short protein forms V291F.
Identifiers: ClinVar variation 3231253 (VCV003231253.1), dbSNP rs2542184997, ClinGen allele CA388159864.